The following is an entry in ClinVar:

NM_006914.4(RORB):c.804C>G (p.His268Gln)

Gene: RORB (RAR related orphan receptor B; plus strand). Cytogenetic location: 9q21.13.
Variant type: single nucleotide variant.
Coding change: c.804C>G on transcript NM_006914.4 (MANE Select); coding-DNA position 804, C replaced by G.
Protein change: p.His268Gln; replaces histidine 268 with glutamine.
Molecular consequence: missense variant.
Genome position (GRCh38, 1-based): chr9:74,662,518, C>G. VCF-style: chr9-74662518-C-G. GRCh37 (hg19) VCF-style: chr9-77277434-C-G.
Other names: c.837C>G, p.His279Gln (NM_001365023.1); short protein forms H279Q, H268Q.
Identifiers: ClinVar variation 3015341 (VCV003015341.3), dbSNP rs138013333, ClinGen allele CA5083459.

ClinVar aggregate classification (germline): Uncertain significance (1 of 4 stars; one submission).

Allele frequency attached by ClinVar (database versions not stated): ExAC 0.00001; gnomAD 0.00001; ESP Exome Variant Server 0.00008.
gnomAD v4.1: 12 of 1,613,910 alleles (0.00074%); highest among the groups gnomAD compares: Non-Finnish European, 0.001%; no homozygotes.

Submission:

Labcorp Genetics (formerly Invitae), Labcorp
Classification: Uncertain significance. Last evaluated: 2023-06-28. Review status: criteria provided, single submitter. Criteria: Invitae Variant Classification Sherloc (09022015). Collection method: clinical testing. Allele origin: germline.
Comment: This sequence change replaces histidine, which is basic and polar, with glutamine, which is neutral and polar, at codon 268 of the RORB protein (p.His268Gln). This variant is present in population databases (rs138013333, gnomAD 0.0009%). In summary, the available evidence is currently insufficient to determine the role of this variant in disease. Therefore, it has been classified as a Variant of Uncertain Significance. An algorithm developed to predict the effect of missense changes on protein structure and function (PolyPhen-2) suggests that this variant is likely to be tolerated. This variant has not been reported in the literature in individuals affected with RORB-related conditions.